The following is an entry in ClinVar:

ClinVar aggregate classification (germline): Uncertain significance (1 of 4 stars; one submission).

Conditions:
Autoinflammatory syndrome with immunodeficiency. Also called: AUTOINFLAMMATORY SYNDROME, FAMILIAL, WITH OR WITHOUT IMMUNODEFICIENCY. Identifiers: MedGen C5543547, MONDO:0800130, OMIM 619375.

Submission:

Medical Genetics, Karadeniz Technical University
Classification: Uncertain significance for Autoinflammatory syndrome with immunodeficiency. Last evaluated: 2026-08-10. Review status: criteria provided, single submitter. Criteria: ACMG Guidelines, 2015. Collection method: clinical testing. Allele origin: maternal. Affected: yes. Observed: 1 variant allele, 1 heterozygote.
Comment: SOCS1:c.142C>A (p.Pro48Thr) missense variation is located in exon 2 (NM_003745.2), which is the only protein-coding exon of the SOCS1 gene. It is a rare variation in population databases (gnomAD v.4.1.1 Frequency: 2/1,432,360 = 0.0001%) (PM2_Supporting). Esophagogastroduodenoscopy revealed numerous diminutive polyps almost entirely carpeting the second portion of the duodenum. Hypogammaglobulinemia was identified during the diagnostic work-up. Functionally, we observed that ex vivo stimulation of patient-derived peripheral blood mononuclear cells (PBMCs) with IFN-γ demonstrated significantly enhanced STAT1 phosphorylation compared to healthy controls, which was successfully normalized following treatment with the JAK1/2 inhibitor ruxolitinib in a study yet to be published (PS3_Moderate). Overall assessment: evidence in the pathogenic direction includes PM2_Supporting, PP1_Supporting, PP4_Supporting, and PS3_Moderate; evidence in the benign direction includes BP4_Moderate. We note an unresolved tension between the patient-derived functional data and the calibrated computational predictions; we have not discounted either line of evidence, as both are valid evidence types under current guidelines. Since their combined weight does not reach the threshold for Likely Pathogenic under ACMG/AMP 2015 categorical combining rules, we therefore classify this variant as of Uncertain Significance.

NM_003745.2(SOCS1):c.142C>A (p.Pro48Thr)

Gene: SOCS1 (suppressor of cytokine signaling 1; minus strand). Cytogenetic location: 16p13.13.
Variant type: single nucleotide variant.
Coding change: c.142C>A on transcript NM_003745.2 (MANE Select); coding-DNA position 142, C replaced by A.
Protein change: p.Pro48Thr; replaces proline 48 with threonine.
Molecular consequence: missense variant.
Genome position (GRCh38, 1-based): chr16:11,255,337, G>T on the plus strand (C>A on the coding strand, the complement: SOCS1 is on the minus strand). VCF-style: chr16-11255337-G-T. GRCh37 (hg19) VCF-style: chr16-11349194-G-T.
Other names: short protein forms P48T.
Identifiers: ClinVar variation 4884514 (VCV004884514.1).